The following is an entry in ClinVar:

ClinVar aggregate classification (germline): Uncertain significance (1 of 4 stars; one submission).

gnomAD v4.1: 4 of 1,614,102 alleles (0.00025%); highest among the groups gnomAD compares: Non-Finnish European, 0.00034%; no homozygotes.

Submission:

Ambry Genetics
Classification: Uncertain significance. Last evaluated: 2024-07-15. Review status: criteria provided, single submitter. Criteria: Ambry Variant Classification Scheme 2023. Collection method: clinical testing. Allele origin: germline.
Comment: The p.S967T variant (also known as c.2900G>C), located in coding exon 4 of the ALPK2 gene, results from a G to C substitution at nucleotide position 2900. The serine at codon 967 is replaced by threonine, an amino acid with similar properties. This amino acid position is conserved. In addition, this alteration is predicted to be tolerated by in silico analysis. Based on the available evidence, the clinical significance of this variant remains unclear.

NM_052947.4(ALPK2):c.2900G>C (p.Ser967Thr)

Gene: ALPK2 (alpha kinase 2; minus strand). Cytogenetic location: 18q21.31.
Variant type: single nucleotide variant.
Coding change: c.2900G>C on transcript NM_052947.4 (MANE Select); coding-DNA position 2900, G replaced by C.
Protein change: p.Ser967Thr; replaces serine 967 with threonine.
Molecular consequence: missense variant.
Genome position (GRCh38, 1-based): chr18:58,537,287, C>G on the plus strand (G>C on the coding strand, the complement: ALPK2 is on the minus strand). VCF-style: chr18-58537287-C-G. GRCh37 (hg19) VCF-style: chr18-56204519-C-G.
Other names: short protein forms S967T.
Identifiers: ClinVar variation 3530801 (VCV003530801.1).